The following is an entry in ClinVar:

NM_000252.3(MTM1):c.1040T>G (p.Leu347Ter)

Gene: MTM1 (myotubularin 1; plus strand). Cytogenetic location: Xq28.
Variant type: single nucleotide variant.
Coding change: c.1040T>G on transcript NM_000252.3 (MANE Select); coding-DNA position 1040, T replaced by G.
Protein change: p.Leu347Ter; replaces leucine 347 with a stop codon.
Molecular consequence: nonsense.
Genome position (GRCh38, 1-based): chrX:150,649,888, T>G. VCF-style: chrX-150649888-T-G. GRCh37 (hg19) VCF-style: chrX-149818361-T-G.
Other names: NP_000243.1:p.Leu347*; c.1040T>G, p.Leu347Ter (NM_001376906.1, NM_001376908.1); c.929T>G, p.Leu310Ter (NM_001376907.1); short protein forms L347*, L310*.
Identifiers: ClinVar variation 92666 (VCV000092666.11), dbSNP rs398123264, ClinGen allele CA220524.

ClinVar aggregate classification (germline): Pathogenic. Review status: criteria provided, multiple submitters, no conflicts (2 of 4 stars). 2 submissions from 2 submitters: Pathogenic (2). Last evaluated 2025-05-05.

Conditions:
Severe X-linked myotubular myopathy (CNMX). Also called: MYOTUBULAR MYOPATHY 1; Myotubular myopathy, X-linked; X-linked centronuclear myopathy. Identifiers: Orphanet 596, MedGen C0410203, MONDO:0010683, OMIM 310400.

Submissions (2):

Labcorp Genetics (formerly Invitae), Labcorp
Classification: Pathogenic for Severe X-linked myotubular myopathy. Last evaluated: 2025-05-05. Review status: criteria provided, single submitter. Criteria: Invitae Variant Classification Sherloc (09022015). Collection method: clinical testing. Allele origin: germline.
Comment: This sequence change creates a premature translational stop signal (p.Leu347*) in the MTM1 gene. It is expected to result in an absent or disrupted protein product. Loss-of-function variants in MTM1 are known to be pathogenic (PMID: 9305655, 10063835). This variant is not present in population databases (gnomAD no frequency). This variant has not been reported in the literature in individuals affected with MTM1-related conditions. ClinVar contains an entry for this variant (Variation ID: 92666). For these reasons, this variant has been classified as Pathogenic.

Eurofins Ntd Llc (ga)
Classification: Pathogenic. Last evaluated: 2012-11-08. Review status: criteria provided, single submitter. Criteria: EGL Classification Definitions. Collection method: clinical testing. Allele origin: germline. Observed: 1 variant allele, 1 hemizygote.

Literature cited by the submitters: PubMed 9305655 (cited by Labcorp Genetics (formerly Invitae), Labcorp); PubMed 10063835 (cited by Labcorp Genetics (formerly Invitae), Labcorp).